The following is an entry in ClinVar:

NM_005477.3(HCN4):c.368A>G (p.His123Arg)

Gene: HCN4 (hyperpolarization activated cyclic nucleotide gated potassium channel 4; minus strand). Cytogenetic location: 15q24.1.
Variant type: single nucleotide variant.
Coding change: c.368A>G on transcript NM_005477.3 (MANE Select); coding-DNA position 368, A replaced by G.
Protein change: p.His123Arg; replaces histidine 123 with arginine.
Molecular consequence: missense variant.
Genome position (GRCh38, 1-based): chr15:73,367,903, T>C on the plus strand (A>G on the coding strand, the complement: HCN4 is on the minus strand). VCF-style: chr15-73367903-T-C. GRCh37 (hg19) VCF-style: chr15-73660244-T-C.
Other names: short protein forms H123R.
Identifiers: ClinVar variation 470672 (VCV000470672.12), dbSNP rs1555479000, ClinGen allele CA393098246.
Genomic context (GRCh38, chr15:73,367,903, plus strand): 5'-CTGTCCTCGCCGGGGGACGCGTCGCCCTCGGCGATGAGCCGCCGCTCCTCCGCGGAGTCA[T>C]GCAGGTGTCCGTGACTGCTGCCGCTCCCCGTGCCGCCGCTGCCGCCGCCCCGGCTGCCCA-3'
Protein context (NP_005468.1, residues 113-133): TGSGSSHGHL[His123Arg]DSAEERRLIA

ClinVar aggregate classification (germline): Uncertain significance. Review status: criteria provided, multiple submitters, no conflicts (2 of 4 stars). 2 submissions from 2 submitters: Uncertain significance (2). Last evaluated 2023-08-31.

Conditions:
Cardiovascular phenotype. Identifiers: MedGen CN230736.
Brugada syndrome 8 (BRGDA8). Identifiers: Orphanet 130, MedGen C2751083, MONDO:0013148, OMIM 613123.

Allele frequency attached by ClinVar (database versions not stated): gnomAD exomes below 0.00001; TOPMed below 0.00001.
gnomAD v4.1: 4 of 1,390,446 alleles (0.00029%); highest among the groups gnomAD compares: Non-Finnish European, 0.00037%; no homozygotes.

Submissions (2):

Labcorp Genetics (formerly Invitae), Labcorp
Classification: Uncertain significance for Brugada syndrome 8. Last evaluated: 2023-08-31. Review status: criteria provided, single submitter. Criteria: Invitae Variant Classification Sherloc (09022015). Collection method: clinical testing. Allele origin: germline.
Comment: This sequence change replaces histidine, which is basic and polar, with arginine, which is basic and polar, at codon 123 of the HCN4 protein (p.His123Arg). This variant is not present in population databases (gnomAD no frequency). This variant has not been reported in the literature in individuals affected with HCN4-related conditions. ClinVar contains an entry for this variant (Variation ID: 470672). Advanced modeling of protein sequence and biophysical properties (such as structural, functional, and spatial information, amino acid conservation, physicochemical variation, residue mobility, and thermodynamic stability) performed at Invitae indicates that this missense variant is not expected to disrupt HCN4 protein function. In summary, the available evidence is currently insufficient to determine the role of this variant in disease. Therefore, it has been classified as a Variant of Uncertain Significance.

Ambry Genetics
Classification: Uncertain significance for Cardiovascular phenotype. Last evaluated: 2021-06-18. Review status: criteria provided, single submitter. Criteria: Ambry Variant Classification Scheme 2023. Collection method: clinical testing. Allele origin: germline.
Comment: The p.H123R variant (also known as c.368A>G), located in coding exon 1 of the HCN4 gene, results from an A to G substitution at nucleotide position 368. The histidine at codon 123 is replaced by arginine, an amino acid with highly similar properties. This amino acid position is well conserved in available vertebrate species; however, arginine is the reference amino acid in other vertebrate species. In addition, this alteration is predicted to be tolerated by in silico analysis. Since supporting evidence is limited at this time, the clinical significance of this alteration remains unclear.